The following is an entry in ClinVar:

NM_000302.4(PLOD1):c.1837C>T (p.His613Tyr)

Gene: PLOD1 (procollagen-lysine,2-oxoglutarate 5-dioxygenase 1; plus strand). Cytogenetic location: 1p36.22.
Variant type: single nucleotide variant.
Coding change: c.1837C>T on transcript NM_000302.4 (MANE Select); coding-DNA position 1837, C replaced by T.
Protein change: p.His613Tyr; replaces histidine 613 with tyrosine.
Molecular consequence: missense variant.
Genome position (GRCh38, 1-based): chr1:11,970,751, C>T. VCF-style: chr1-11970751-C-T. GRCh37 (hg19) VCF-style: chr1-12030808-C-T.
Other names: c.1978C>T, p.His660Tyr (NM_001316320.2); short protein forms H613Y, H660Y.
Identifiers: ClinVar variation 4139855 (VCV004139855.1).

ClinVar aggregate classification (germline): Uncertain significance (1 of 4 stars; one submission).

Conditions:
Familial thoracic aortic aneurysm and aortic dissection (TAAD). Also called: Thoracic aortic aneurysms and dissections. Identifiers: Orphanet 91387, MedGen C4707243, MONDO:0019625.

Submission:

Ambry Genetics
Classification: Uncertain significance for Familial thoracic aortic aneurysm and aortic dissection. Last evaluated: 2025-09-12. Review status: criteria provided, single submitter. Criteria: Ambry Variant Classification Scheme 2023. Collection method: clinical testing. Allele origin: germline.
Comment: The p.H613Y variant (also known as c.1837C>T), located in coding exon 17 of the PLOD1 gene, results from a C to T substitution at nucleotide position 1837. The histidine at codon 613 is replaced by tyrosine, an amino acid with similar properties. This amino acid position is conserved. In addition, this alteration is predicted to be tolerated by in silico analysis. Based on the available evidence, the clinical significance of this variant remains unclear.